The following is an entry in ClinVar:

NM_001378477.3(NYX):c.293C>T (p.Pro98Leu)

Gene: NYX (nyctalopin; plus strand). Cytogenetic location: Xp11.4.
Variant type: single nucleotide variant.
Coding change: c.293C>T on transcript NM_001378477.3 (MANE Select); coding-DNA position 293, C replaced by T.
Protein change: p.Pro98Leu; replaces proline 98 with leucine.
Molecular consequence: missense variant.
Genome position (GRCh38, 1-based): chrX:41,473,761, C>T. VCF-style: chrX-41473761-C-T. GRCh37 (hg19) VCF-style: chrX-41333014-C-T.
Other names: c.308C>T (NM_022567.2); c.293C>T, p.Pro98Leu (NM_022567.3); short protein forms P98L.
Identifiers: ClinVar variation 1383664 (VCV001383664.7), dbSNP rs762337198, ClinGen allele CA10389797.
Genomic context (GRCh38, chrX:41,473,761, plus strand): 5'-GCACGCTGCCGTCCTTGCGCCGCCTGTCGCTGCGCCACAACAACCTGTCCTTCATCACGC[C>T]CGGCGCCTTCAAGGGCCTGCCGCGCCTGGCTGAGCTGCGCCTGGCGCACAACGGCGACCT-3'
Protein context (NP_001365406.2, residues 88-108): LRHNNLSFIT[Pro98Leu]GAFKGLPRLA

ClinVar aggregate classification (germline): Uncertain significance. Review status: criteria provided, single submitter (1 of 4 stars). 2 submissions from 2 submitters: Uncertain significance (1). 1 of the submissions does not count toward it. Last evaluated 2024-12-02.

Conditions:
NYX-related disorder. Also called: NYX-related condition.

Allele frequency attached by ClinVar (database versions not stated): gnomAD exomes 0.00001 and 0.00003; ExAC 0.00003.

Submissions (2):

Labcorp Genetics (formerly Invitae), Labcorp
Classification: Uncertain significance. Last evaluated: 2024-12-02. Review status: criteria provided, single submitter. Criteria: Invitae Variant Classification Sherloc (09022015). Collection method: clinical testing. Allele origin: germline.
Comment: This sequence change replaces proline, which is neutral and non-polar, with leucine, which is neutral and non-polar, at codon 103 of the NYX protein (p.Pro103Leu). The frequency data for this variant in the population databases is considered unreliable, as metrics indicate poor data quality at this position in the gnomAD database. This variant has not been reported in the literature in individuals affected with NYX-related conditions. ClinVar contains an entry for this variant (Variation ID: 1383664). Invitae Evidence Modeling of protein sequence and biophysical properties (such as structural, functional, and spatial information, amino acid conservation, physicochemical variation, residue mobility, and thermodynamic stability) indicates that this missense variant is not expected to disrupt NYX protein function with a negative predictive value of 80%. In summary, the available evidence is currently insufficient to determine the role of this variant in disease. Therefore, it has been classified as a Variant of Uncertain Significance.

PreventionGenetics, part of Exact Sciences
Classification: Uncertain significance for NYX-related condition. Last evaluated: 2024-07-15. Review status: no assertion criteria provided. Collection method: clinical testing. Allele origin: germline. Not counted in ClinVar's aggregate classification.
Comment: The NYX c.308C>T variant is predicted to result in the amino acid substitution p.Pro103Leu. To our knowledge, this variant has not been reported in the literature. This variant is reported in 0.014% of alleles in individuals of Latino descent in gnomAD. Although we suspect that this variant may be benign, at this time, the clinical significance of this variant is uncertain due to the absence of conclusive functional and genetic evidence.